The following is an entry in ClinVar:

ClinVar aggregate classification (germline): Uncertain significance (1 of 4 stars; one submission).

Conditions:
Wilms tumor 1 (WT1). Also called: Wilms tumor, somatic. Identifiers: Orphanet 654, MedGen CN033288, MONDO:0008679, OMIM 194070.

Submission:

Labcorp Genetics (formerly Invitae), Labcorp
Classification: Uncertain significance for Wilms tumor 1. Last evaluated: 2023-04-24. Review status: criteria provided, single submitter. Criteria: Invitae Variant Classification Sherloc (09022015). Collection method: clinical testing. Allele origin: unknown.
Comment: In summary, the available evidence is currently insufficient to determine the role of this variant in disease. Therefore, it has been classified as a Variant of Uncertain Significance. Experimental studies and prediction algorithms are not available or were not evaluated, and the functional significance of this variant is currently unknown. This variant has not been reported in the literature in individuals affected with GPC3-related conditions. This variant results in a copy number gain of the genomic region encompassing exon(s) 3-8 of the GPC3 gene. This region includes the termination codon of the gene. This copy number gain extends beyond the assayed region for this gene and therefore may encompass additional genes. As the precise location of this event is unknown, it may be in tandem or it may be located elsewhere in the genome.

NC_000023.10:g.(?_132670152)_(132888223_?)dup

Gene: GPC3 (glypican 3; minus strand). Cytogenetic location: Xq26.2.
Variant type: Duplication.
Identifiers: ClinVar variation 3245646 (VCV003245646.1).